The following is an entry in ClinVar:

NM_001130009.3(GEN1):c.29T>C (p.Leu10Ser)

Gene: GEN1 (GEN1 Holliday junction 5' flap endonuclease; plus strand). Cytogenetic location: 2p24.2.
Variant type: single nucleotide variant.
Coding change: c.29T>C on transcript NM_001130009.3 (MANE Select); coding-DNA position 29, T replaced by C.
Protein change: p.Leu10Ser; replaces leucine 10 with serine.
Molecular consequence: missense variant.
Genome position (GRCh38, 1-based): chr2:17,759,972, T>C. VCF-style: chr2-17759972-T-C. GRCh37 (hg19) VCF-style: chr2-17941239-T-C.
Other names: c.29T>C, p.Leu10Ser (NM_182625.5); short protein forms L10S.
Identifiers: ClinVar variation 3853576 (VCV003853576.1).

ClinVar aggregate classification (germline): Uncertain significance (1 of 4 stars; one submission).

Submission:

Ambry Genetics
Classification: Uncertain significance. Last evaluated: 2025-02-15. Review status: criteria provided, single submitter. Criteria: Ambry Variant Classification Scheme 2023. Collection method: clinical testing. Allele origin: germline.
Comment: The p.L10S variant (also known as c.29T>C), located in coding exon 1 of the GEN1 gene, results from a T to C substitution at nucleotide position 29. The leucine at codon 10 is replaced by serine, an amino acid with dissimilar properties. This amino acid position is conserved. In addition, this alteration is predicted to be deleterious by in silico analysis. Based on the available evidence, the clinical significance of this variant remains unclear.